The following is an entry in ClinVar:

ClinVar aggregate classification (germline): Uncertain significance (1 of 4 stars; one submission).

gnomAD v4.1: 1 of 1,613,990 alleles (0.000062%); highest among the groups gnomAD compares: Non-Finnish European, 0.000085%; no homozygotes.

Submission:

Labcorp Genetics (formerly Invitae), Labcorp
Classification: Uncertain significance. Last evaluated: 2023-08-14. Review status: criteria provided, single submitter. Criteria: Invitae Variant Classification Sherloc (09022015). Collection method: clinical testing. Allele origin: germline.
Comment: This sequence change replaces arginine, which is basic and polar, with tryptophan, which is neutral and slightly polar, at codon 463 of the CHD8 protein (p.Arg463Trp). This variant is not present in population databases (gnomAD no frequency). This variant has not been reported in the literature in individuals affected with CHD8-related conditions. Advanced modeling of protein sequence and biophysical properties (such as structural, functional, and spatial information, amino acid conservation, physicochemical variation, residue mobility, and thermodynamic stability) performed at Invitae indicates that this missense variant is not expected to disrupt CHD8 protein function. In summary, the available evidence is currently insufficient to determine the role of this variant in disease. Therefore, it has been classified as a Variant of Uncertain Significance.

NM_001170629.2(CHD8):c.1387C>T (p.Arg463Trp)

Gene: CHD8 (chromodomain helicase DNA binding protein 8; minus strand). Cytogenetic location: 14q11.2.
Variant type: single nucleotide variant.
Coding change: c.1387C>T on transcript NM_001170629.2 (MANE Select); coding-DNA position 1387, C replaced by T.
Protein change: p.Arg463Trp; replaces arginine 463 with tryptophan.
Molecular consequence: missense variant.
Genome position (GRCh38, 1-based): chr14:21,428,083, G>A on the plus strand (C>T on the coding strand, the complement: CHD8 is on the minus strand). VCF-style: chr14-21428083-G-A. GRCh37 (hg19) VCF-style: chr14-21896242-G-A.
Other names: c.550C>T, p.Arg184Trp (NM_020920.4); short protein forms R463W, R184W.
Identifiers: ClinVar variation 2987286 (VCV002987286.3), dbSNP rs770032194, ClinGen allele CA388883320.